The following is an entry in ClinVar:

NM_001161352.2(KCNMA1):c.2387A>T (p.Asn796Ile)

Genes: KCNMA1-AS1 (KCNMA1 antisense RNA 1; plus strand), KCNMA1 (potassium calcium-activated channel subfamily M alpha 1; minus strand). Cytogenetic location: 10q22.3.
Variant type: single nucleotide variant.
Coding change: c.2387A>T on transcript NM_001161352.2 (MANE Select); coding-DNA position 2387, A replaced by T.
Protein change: p.Asn796Ile; replaces asparagine 796 with isoleucine.
Molecular consequence: missense variant.
Genome position (GRCh38, 1-based): chr10:76,953,898, T>A on the plus strand (A>T on the coding strand, the complement: KCNMA1 is on the minus strand). VCF-style: chr10-76953898-T-A. GRCh37 (hg19) VCF-style: chr10-78713656-T-A.
Other names: c.2225A>T, p.Asn742Ile (NM_001014797.3, NM_001322835.2, NM_001322837.2); c.2213A>T, p.Asn738Ile (NM_001161353.2, NM_001322832.2, NM_002247.4); c.2063A>T, p.Asn688Ile (NM_001271518.2); c.2222A>T, p.Asn741Ile (NM_001271519.2, NM_001322829.2, NM_001322836.2); c.2234A>T, p.Asn745Ile (NM_001322830.2); c.1760A>T, p.Asn587Ile (NM_001322838.2); short protein forms N688I, N741I, N796I, N587I, N742I, N738I, N745I.
Identifiers: ClinVar variation 1376364 (VCV001376364.8), dbSNP rs2152988834, ClinGen allele CA377407754.

ClinVar aggregate classification (germline): Uncertain significance (1 of 4 stars; one submission).

Conditions:
Generalized epilepsy-paroxysmal dyskinesia syndrome (PNKD3). Also called: Paroxysmal nonkinesigenic dyskinesia, 3, with or without generalized epilepsy; Generalized epilepsy and paroxysmal dyskinesia. Identifiers: Orphanet 79137, MedGen C5574945, MONDO:0012276, OMIM 609446.

Submission:

Labcorp Genetics (formerly Invitae), Labcorp
Classification: Uncertain significance for Generalized epilepsy-paroxysmal dyskinesia syndrome. Last evaluated: 2023-07-17. Review status: criteria provided, single submitter. Criteria: Invitae Variant Classification Sherloc (09022015). Collection method: clinical testing. Allele origin: germline.
Comment: ClinVar contains an entry for this variant (Variation ID: 1376364). This sequence change replaces asparagine, which is neutral and polar, with isoleucine, which is neutral and non-polar, at codon 738 of the KCNMA1 protein (p.Asn738Ile). This variant is not present in population databases (gnomAD no frequency). This variant has not been reported in the literature in individuals affected with KCNMA1-related conditions. Advanced modeling of protein sequence and biophysical properties (such as structural, functional, and spatial information, amino acid conservation, physicochemical variation, residue mobility, and thermodynamic stability) performed at Invitae indicates that this missense variant is not expected to disrupt KCNMA1 protein function. In summary, the available evidence is currently insufficient to determine the role of this variant in disease. Therefore, it has been classified as a Variant of Uncertain Significance.